The following is an entry in ClinVar:

NM_001387263.1(PATL2):c.85del (p.Glu29fs)

Gene: PATL2 (PAT1 homolog 2; minus strand). Cytogenetic location: 15q21.1.
Variant type: Deletion.
Coding change: c.85del on transcript NM_001387263.1 (MANE Select); coding-DNA position 85, one base deleted (G; older notation c.85delG).
Protein change: p.Glu29fs; shifts the reading frame from glutamic acid 29.
Molecular consequence: frameshift variant. On other transcripts: intron variant (1).
Genome position (GRCh38, 1-based): chr15:44,675,623, C deleted on the plus strand (G on the coding strand, the reverse complement: PATL2 is on the minus strand). VCF-style (leftmost placement, unchanged base first): chr15-44675622-TC-T. GRCh37 (hg19) VCF-style: chr15-44967820-TC-T.
Other names: c.85del, p.Glu29fs (NM_001145112.2, NM_001387260.1, NM_001387261.1 and 2 more transcripts); c.-467+852del (NM_001330283.2); short protein forms E29fs.
Identifiers: ClinVar variation 4886494 (VCV004886494.2).

ClinVar aggregate classification (germline): Likely pathogenic (1 of 4 stars; one submission).

Submission:

Dasa
Classification: Likely pathogenic. Last evaluated: 2026-01-27. Review status: criteria provided, single submitter. Criteria: DASA Assertion Criteria. Collection method: clinical testing. Allele origin: germline.
Comment: NM_001387263.1(PATL2):c.85del (p.Glu29Lysfs*26) is a frameshift variant in PATL2 predicted to alter the reading frame and introduce a premature termination codon and is predicted to result in an absent or altered protein product. Loss of function is an established disease mechanism for PATL2-associated disorders. Also, this variant is rare in population databases. Based on the currently available evidence, this variant is classified as likely pathogenic.